The following is an entry in ClinVar:

ClinVar aggregate classification (germline): Uncertain significance (1 of 4 stars; one submission).

Allele frequency attached by ClinVar (database versions not stated): gnomAD exomes below 0.00001; ExAC 0.00001; gnomAD 0.00001; TOPMed 0.00001.
gnomAD v4.1: 4 of 1,612,866 alleles (0.00025%); highest among the groups gnomAD compares: East Asian, 0.0022%; no homozygotes.

Submission:

Labcorp Genetics (formerly Invitae), Labcorp
Classification: Uncertain significance. Last evaluated: 2023-08-16. Review status: criteria provided, single submitter. Criteria: Invitae Variant Classification Sherloc (09022015). Collection method: clinical testing. Allele origin: germline.
Comment: This sequence change creates a premature translational stop signal (p.Arg605*) in the CFB gene. It is expected to result in an absent or disrupted protein product. However, the current clinical and genetic evidence is not sufficient to establish whether loss-of-function variants in CFB cause disease. In summary, the available evidence is currently insufficient to determine the role of this variant in disease. Therefore, it has been classified as a Variant of Uncertain Significance. This variant has not been reported in the literature in individuals affected with CFB-related conditions. This variant is present in population databases (rs754972855, gnomAD 0.0009%).

NM_001710.6(CFB):c.1813C>T (p.Arg605Ter)

Gene: CFB (complement factor B; plus strand). Cytogenetic location: 6p21.33.
Variant type: single nucleotide variant.
Coding change: c.1813C>T on transcript NM_001710.6 (MANE Select); coding-DNA position 1813, C replaced by T.
Protein change: p.Arg605Ter; replaces arginine 605 with a stop codon.
Molecular consequence: nonsense.
Genome position (GRCh38, 1-based): chr6:31,950,902, C>T. VCF-style: chr6-31950902-C-T. GRCh37 (hg19) VCF-style: chr6-31918679-C-T.
Other names: short protein forms R605*.
Identifiers: ClinVar variation 3006699 (VCV003006699.3), dbSNP rs754972855, ClinGen allele CA3728461.